The following is an entry in ClinVar:

ClinVar aggregate classification (germline): Likely pathogenic (1 of 4 stars; one submission).

Conditions:
Polycystic kidney disease 9, susceptibility to. Identifiers: MedGen C6012712, MONDO:0976267, OMIM 621164.

Submission:

3billion
Classification: Likely pathogenic for Polycystic kidney disease 9, susceptibility to. Last evaluated: 2026-01-05. Review status: criteria provided, single submitter. Criteria: ACMG Guidelines, 2015. Collection method: clinical testing. Allele origin: germline. Affected: yes.
Comment: The variant is not observed in the gnomAD v4.1.0 dataset. Predicted Consequence/Location: Frameshift: predicted to result in a loss or disruption of normal protein function through nonsense-mediated decay (NMD) or protein truncation. Multiple pathogenic variants are reported downstream of the variant. Therefore, this variant is classified as Likely pathogenic according to the recommendation of ACMG/AMP guideline.

NM_014714.4(IFT140):c.477_486del (p.Pro160fs)

Genes: IFT140 (intraflagellar transport 140; minus strand), LOC105371046 (uncharacterized LOC105371046; plus strand). Cytogenetic location: 16p13.3.
Variant type: Deletion.
Coding change: c.477_486del on transcript NM_014714.4 (MANE Select); coding-DNA positions 477 to 486, 10 bases deleted (CCCCCCTCCT; older notation c.477_486delCCCCCCTCCT).
Protein change: p.Pro160fs; shifts the reading frame from proline 160.
Molecular consequence: frameshift variant.
Genome position (GRCh38, 1-based): chr16:1,592,472-1,592,481, AGGAGGGGGG deleted on the plus strand (CCCCCCTCCT on the coding strand, the reverse complement: IFT140 is on the minus strand); deleting any 10 consecutive bases within chr16:1,592,472-1,592,483 gives the same sequence; the c. name uses the placement nearest the transcript's 3' end. VCF-style (leftmost placement, unchanged base first): chr16-1592471-CAGGAGGGGGG-C. GRCh37 (hg19) VCF-style: chr16-1642472-CAGGAGGGGGG-C.
Other names: short protein forms P160fs.
Identifiers: ClinVar variation 4854694 (VCV004854694.1).